The following is an entry in ClinVar:

NM_000127.3(EXT1):c.963-16C>T

Gene: EXT1 (exostosin glycosyltransferase 1; minus strand). Cytogenetic location: 8q24.11.
Variant type: single nucleotide variant.
Coding change: c.963-16C>T on transcript NM_000127.3 (MANE Select); 16 bases into the intron before coding-DNA position 963, C replaced by T.
Molecular consequence: intron variant.
Genome position (GRCh38, 1-based): chr8:117,837,217, G>A on the plus strand (C>T on the coding strand, the complement: EXT1 is on the minus strand). VCF-style: chr8-117837217-G-A. GRCh37 (hg19) VCF-style: chr8-118849456-G-A.
Identifiers: ClinVar variation 1672353 (VCV001672353.10), dbSNP rs369462786, ClinGen allele CA4854277.
Genomic context (GRCh38, chr8:117,837,217, plus strand): 5'-ACCAGACAGAAAGTGGCATTGTGCAGCATTTCCCGATAATCATACCTAGAAAGAGAAGAG[G>A]AGTAAACAGCAAATGAAGACTCATTGCGAATGTGGGGATATTGACCATAGGTGGGCGCCC-3'

ClinVar aggregate classification (germline): Likely benign. Review status: criteria provided, multiple submitters, no conflicts (2 of 4 stars). 3 submissions from 3 submitters: Likely benign (3). Last evaluated 2025-06-24.

Conditions:
Multiple congenital exostosis (EXT). Also called: Hereditary multiple osteochondromas; Multiple exostoses; Multiple osteochondromas; MULTIPLE CARTILAGINOUS EXOSTOSES; Hereditary multiple exostoses; Hereditary multiple exostosis. Identifiers: Orphanet 321, MedGen C0015306, MONDO:0005508, HP:0002762.

Allele frequency attached by ClinVar (database versions not stated): gnomAD exomes 0.00001; ExAC 0.00003; gnomAD 0.00008 and 0.00009; TOPMed 0.00011; ESP Exome Variant Server 0.00023.
gnomAD v4.1: 21 of 1,597,818 alleles (0.0013%); highest among the groups gnomAD compares: African/African-American, 0.025%; no homozygotes.

Submissions (3):

Labcorp Genetics (formerly Invitae), Labcorp
Classification: Likely benign for Multiple congenital exostosis. Last evaluated: 2025-06-24. Review status: criteria provided, single submitter. Criteria: Invitae Variant Classification Sherloc (09022015). Collection method: clinical testing. Allele origin: germline.

Women's Health and Genetics/Laboratory Corporation of America, LabCorp
Classification: Likely benign. Last evaluated: 2024-12-10. Review status: criteria provided, single submitter. Criteria: LabCorp Variant Classification Summary - May 2015. Collection method: clinical testing. Allele origin: germline.
Comment: Variant summary: EXT1 c.963-16C>T alters a nucleotide located at a position not widely known to affect splicing. Consensus agreement among computation tools predict no significant impact on normal splicing. However, these predictions have yet to be confirmed by functional studies. The variant allele was found at a frequency of 1.2e-05 in 250966 control chromosomes. The available data on variant occurrences in the general population are insufficient to allow any conclusion about variant significance. To our knowledge, no occurrence of c.963-16C>T in individuals affected with Multiple Congenital Exostosis and no experimental evidence demonstrating its impact on protein function have been reported. ClinVar contains an entry for this variant (Variation ID: 1672353). Based on the evidence outlined above, the variant was classified as likely benign.

Blueprint Genetics
Classification: Likely benign. Last evaluated: 2022-09-09. Review status: criteria provided, single submitter. Criteria: ACMG Guidelines, 2015. Collection method: clinical testing. Allele origin: germline.